The following is an entry in ClinVar:

ClinVar aggregate classification (germline): Likely benign (1 of 4 stars; one submission).

gnomAD v4.1: 9 of 1,540,358 alleles (0.00058%); highest among the groups gnomAD compares: Admixed American, 0.002%; no homozygotes.

Submission:

CeGaT Center for Human Genetics Tuebingen
Classification: Likely benign. Last evaluated: 2026-09-01. Review status: criteria provided, single submitter. Criteria: CeGaT Center For Human Genetics Tuebingen Variant Classification Criteria Version 2. Collection method: clinical testing. Allele origin: germline. Affected: yes. Observed: 1 variant allele.
Comment: TNRC6B: BS2

NM_001162501.2(TNRC6B):c.40G>A (p.Glu14Lys)

Gene: TNRC6B (trinucleotide repeat containing adaptor 6B; plus strand). Cytogenetic location: 22q13.1.
Variant type: single nucleotide variant.
Coding change: c.40G>A on transcript NM_001162501.2 (MANE Select); coding-DNA position 40, G replaced by A.
Protein change: p.Glu14Lys; replaces glutamic acid 14 with lysine.
Molecular consequence: missense variant.
Genome position (GRCh38, 1-based): chr22:40,246,049, G>A. VCF-style: chr22-40246049-G-A. GRCh37 (hg19) VCF-style: chr22-40642053-G-A.
Other names: c.148G>A, p.Glu50Lys (NM_001024843.2); c.40G>A, p.Glu14Lys (NM_015088.3); short protein forms E14K, E50K.
Identifiers: ClinVar variation 5041319 (VCV005041319.1).